The following is an entry in ClinVar:

ClinVar aggregate classification (germline): Uncertain significance (1 of 4 stars; one submission).

Conditions:
Hereditary nonpolyposis colorectal neoplasms. Identifiers: MedGen C0009405, MeSH D003123.

Submission:

Labcorp Genetics (formerly Invitae), Labcorp
Classification: Uncertain significance for Hereditary nonpolyposis colorectal neoplasms. Last evaluated: 2020-05-20. Review status: criteria provided, single submitter. Criteria: Invitae Variant Classification Sherloc (09022015). Collection method: clinical testing. Allele origin: germline.
Comment: In summary, the available evidence is currently insufficient to determine the role of this variant in disease. Therefore, it has been classified as a Variant of Uncertain Significance. Experimental studies and prediction algorithms are not available or were not evaluated, and the functional significance of this variant is currently unknown. This variant has not been reported in the literature in individuals with MSH6-related conditions. This variant is not present in population databases (ExAC no frequency). This variant, c.604_612del, results in the deletion of 3 amino acid(s) of the MSH6 protein (p.Pro202_Glu204del), but otherwise preserves the integrity of the reading frame.

NM_000179.3(MSH6):c.604_612del (p.Pro202_Glu204del)

Gene: MSH6 (mutS homolog 6; plus strand). Cytogenetic location: 2p16.3.
Variant type: Deletion.
Coding change: c.604_612del on transcript NM_000179.3 (MANE Select); coding-DNA positions 604 to 612, 9 bases deleted (CCAGAAGAG; older notation c.604_612delCCAGAAGAG).
Protein change: p.Pro202_Glu204del.
Molecular consequence: inframe deletion. On other transcripts: 5 prime UTR variant (1), intron variant (2).
Genome position (GRCh38, 1-based): chr2:47,796,040-47,796,048, CCAGAAGAG deleted; deleting any 9 consecutive bases within chr2:47,796,036-47,796,048 gives the same sequence; the c. name uses the placement nearest the transcript's 3' end. VCF-style (leftmost placement, unchanged base first): chr2-47796035-CAGAGCCAGA-C. GRCh37 (hg19) VCF-style: chr2-48023174-CAGAGCCAGA-C.
Other names: c.-299_-291del (NM_001281494.2); c.-279-2571_-279-2563del (NM_001281493.2); c.238-2571_238-2563del (NM_001281492.2).
Identifiers: ClinVar variation 999312 (VCV000999312.9), dbSNP rs1669066494, ClinGen allele CA2496046478.
Genomic context (GRCh38, chr2:47,796,035, plus strand): 5'-ATGAAGCCTTAAATAAAGACAAGATTAAGAGGCTTGAATTGGCAGTTTGTGATGAGCCCT[CAGAGCCAGA>C]AGAGGAAGAAGAGATGGAGGTGGGACACGGCAAGCATTCAGTTGTTATTTATGTTAGGGT-3'